The following is an entry in ClinVar:

ClinVar aggregate classification (germline): Likely benign. Review status: criteria provided, multiple submitters, no conflicts (2 of 4 stars). 3 submissions from 3 submitters: Likely benign (2). 1 of the submissions does not count toward it. Last evaluated 2025-12-22.

Conditions:
ERCC2-related disorder. Also called: ERCC2-related disorders; ERCC2-related conditions; ERCC2-related condition. Identifiers: MedGen CN239291.
Inborn genetic diseases. Identifiers: MedGen C0950123, MeSH D030342.

Allele frequency attached by ClinVar (database versions not stated): gnomAD exomes 0.00004; ExAC 0.00005; ESP Exome Variant Server 0.00008; gnomAD 0.00010 and 0.00011.
gnomAD v4.1: 150 of 1,613,644 alleles (0.0093%); highest among the groups gnomAD compares: African/African-American, 0.024%; no homozygotes.

Submissions (3):

Labcorp Genetics (formerly Invitae), Labcorp
Classification: Likely benign. Last evaluated: 2025-12-22. Review status: criteria provided, single submitter. Criteria: Invitae Variant Classification Sherloc (09022015). Collection method: clinical testing. Allele origin: germline.

Ambry Genetics
Classification: Likely benign for Inborn genetic diseases. Last evaluated: 2022-04-05. Review status: criteria provided, single submitter. Criteria: Ambry Variant Classification Scheme 2023. Collection method: clinical testing. Allele origin: germline.

PreventionGenetics, part of Exact Sciences
Classification: Likely benign for ERCC2-related condition. Last evaluated: 2021-07-27. Review status: no assertion criteria provided. Collection method: clinical testing. Allele origin: germline. Not counted in ClinVar's aggregate classification.
Comment: This variant is classified as likely benign based on ACMG/AMP sequence variant interpretation guidelines (Richards et al. 2015 PMID: 25741868, with internal and published modifications).

NM_000400.4(ERCC2):c.1776C>T (p.Arg592=)

Gene: ERCC2 (ERCC excision repair 2, TFIIH core complex helicase subunit; minus strand). Cytogenetic location: 19q13.32.
Variant type: single nucleotide variant.
Coding change: c.1776C>T on transcript NM_000400.4 (MANE Select); coding-DNA position 1776, C replaced by T.
Protein change: p.Arg592=; no amino-acid change (arginine 592 retained).
Molecular consequence: synonymous variant.
Genome position (GRCh38, 1-based): chr19:45,353,138, G>A on the plus strand (C>T on the coding strand, the complement: ERCC2 is on the minus strand). VCF-style: chr19-45353138-G-A. GRCh37 (hg19) VCF-style: chr19-45856396-G-A.
Identifiers: ClinVar variation 1130241 (VCV001130241.13), dbSNP rs143680124, ClinGen allele CA9513084.